The following is an entry in ClinVar:

NM_001393769.1(MED12L):c.2227G>A (p.Ala743Thr)

Gene: MED12L (mediator complex subunit 12L; plus strand). Cytogenetic location: 3q25.1.
Variant type: single nucleotide variant.
Coding change: c.2227G>A on transcript NM_001393769.1 (MANE Select); coding-DNA position 2227, G replaced by A.
Protein change: p.Ala743Thr; replaces alanine 743 with threonine.
Molecular consequence: missense variant.
Genome position (GRCh38, 1-based): chr3:151,193,643, G>A. VCF-style: chr3-151193643-G-A. GRCh37 (hg19) VCF-style: chr3-150911430-G-A.
Other names: c.2122G>A, p.Ala708Thr (NM_053002.6); short protein forms A708T, A743T.
Identifiers: ClinVar variation 2580598 (VCV002580598.1), dbSNP rs2531099640, ClinGen allele CA354962042.
Genomic context (GRCh38, chr3:151,193,643, plus strand): 5'-GAAAAGCCAAGGGAATTAATTTTTCCATCTAATTATGACCTCCTTCGCCACTTACAGTAT[G>A]CAACACATTTTCCTATACCTCTGGTAAGTCATTGCTTCAGTTAATCTATACCCTGATTAT-3'
Protein context (NP_001380698.1, residues 733-753): NYDLLRHLQY[Ala743Thr]THFPIPLDES

ClinVar aggregate classification (germline): Uncertain significance (1 of 4 stars; one submission).

Allele frequency attached by ClinVar (database versions not stated): gnomAD exomes 0.00001.
gnomAD v4.1: 7 of 1,613,904 alleles (0.00043%); highest among the groups gnomAD compares: Admixed American, 0.0017%; no homozygotes.

Submission:

GeneDx
Classification: Uncertain significance. Last evaluated: 2023-03-21. Review status: criteria provided, single submitter. Criteria: GeneDx Variant Classification Process June 2021. Collection method: clinical testing. Allele origin: germline. Affected: yes.
Comment: Not observed at significant frequency in large population cohorts (gnomAD); In silico analysis supports that this missense variant does not alter protein structure/function; Has not been previously published as pathogenic or benign to our knowledge